The following is an entry in ClinVar:

ClinVar aggregate classification (germline): Uncertain significance (1 of 4 stars; one submission).

gnomAD v4.1: 12 of 1,551,438 alleles (0.00077%); highest among the groups gnomAD compares: East Asian, 0.0024%; no homozygotes.

Submission:

Dasa
Classification: Uncertain significance. Last evaluated: 2026-05-15. Review status: criteria provided, single submitter. Criteria: DASA Assertion Criteria. Collection method: clinical testing. Allele origin: germline.
Comment: NM_001353345.2(SETD1B):c.3761C>G (p.Pro1254Arg) is a missense variant that results in the substitution of proline with arginine. This variant is rare in population databases. Computational prediction algorithms are consistent with a benign effect. The currently available literature and clinical evidence are not sufficient to establish a definitive association between this variant and the reported condition. Therefore, this variant is classified as a variant of uncertain significance.

NM_001353345.2(SETD1B):c.3761C>G (p.Pro1254Arg)

Gene: SETD1B (SET domain containing 1B, histone lysine methyltransferase; plus strand). Cytogenetic location: 12q24.31.
Variant type: single nucleotide variant.
Coding change: c.3761C>G on transcript NM_001353345.2 (MANE Select); coding-DNA position 3761, C replaced by G.
Protein change: p.Pro1254Arg; replaces proline 1254 with arginine.
Molecular consequence: missense variant.
Genome position (GRCh38, 1-based): chr12:121,819,746, C>G. VCF-style: chr12-121819746-C-G. GRCh37 (hg19) VCF-style: chr12-122257652-C-G.
Other names: short protein forms P1254R.
Identifiers: ClinVar variation 5020566 (VCV005020566.1).